The following is an entry in ClinVar:

NM_001110556.2(FLNA):c.1331G>T (p.Cys444Phe)

Gene: FLNA (filamin A; minus strand). Cytogenetic location: Xq28.
Variant type: single nucleotide variant.
Coding change: c.1331G>T on transcript NM_001110556.2 (MANE Select); coding-DNA position 1331, G replaced by T.
Protein change: p.Cys444Phe; replaces cysteine 444 with phenylalanine.
Molecular consequence: missense variant.
Genome position (GRCh38, 1-based): chrX:154,366,122, C>A on the plus strand (G>T on the coding strand, the complement: FLNA is on the minus strand). VCF-style: chrX-154366122-C-A. GRCh37 (hg19) VCF-style: chrX-153594490-C-A.
Other names: c.1331G>T, p.Cys444Phe (NM_001456.4); short protein forms C444F.
Identifiers: ClinVar variation 5020135 (VCV005020135.1).

ClinVar aggregate classification (germline): Uncertain significance (1 of 4 stars; one submission).

Submission:

Dasa
Classification: Uncertain significance. Last evaluated: 2026-07-25. Review status: criteria provided, single submitter. Criteria: DASA Assertion Criteria. Collection method: clinical testing. Allele origin: germline.
Comment: NM_001110556.2(FLNA):c.1331G>T (p.Cys444Phe) is a missense variant that results in the substitution of cysteine with phenylalanine. This variant is absent from population databases. Computational prediction algorithms are consistent with a deleterious effect. The currently available literature and clinical evidence are not sufficient to establish a definitive association between this variant and the reported condition. Therefore, this variant is classified as a variant of uncertain significance.